The following is an entry in ClinVar:

ClinVar aggregate classification (germline): Likely benign. Review status: criteria provided, multiple submitters, no conflicts (2 of 4 stars). 4 submissions from 4 submitters: Likely benign (4). Last evaluated 2026-01-25.

Conditions:
Primary ciliary dyskinesia. Also called: Ciliary dyskinesia. Identifiers: Orphanet 244, MedGen C0008780, MONDO:0016575, HP:0012265.

Submissions (4):

Labcorp Genetics (formerly Invitae), Labcorp
Classification: Likely benign for Primary ciliary dyskinesia. Last evaluated: 2026-01-25. Review status: criteria provided, single submitter. Criteria: Invitae Variant Classification Sherloc (09022015). Collection method: clinical testing. Allele origin: germline.

Blueprint Genetics
Classification: Likely benign. Last evaluated: 2024-09-27. Review status: criteria provided, single submitter. Criteria: ACMG Guidelines, 2015. Collection method: clinical testing. Allele origin: germline.

CeGaT Center for Human Genetics Tuebingen
Classification: Likely benign. Last evaluated: 2024-05-01. Review status: criteria provided, single submitter. Criteria: CeGaT Center For Human Genetics Tuebingen Variant Classification Criteria Version 2. Collection method: clinical testing. Allele origin: germline. Affected: yes. Observed: 2 variant alleles.
Comment: RPGR: PM4:Supporting, BS2

PreventionGenetics, part of Exact Sciences
Classification: Likely benign. Last evaluated: 2019-07-23. Review status: criteria provided, single submitter. Criteria: ACMG Guidelines, 2015. Collection method: clinical testing. Allele origin: germline.

NM_001034853.2(RPGR):c.2742GGA[1] (p.Glu916del)

Gene: RPGR (retinitis pigmentosa GTPase regulator; minus strand). Cytogenetic location: Xp11.4.
Variant type: Microsatellite.
Coding change: c.2742GGA[1] on transcript NM_001034853.2 (MANE Select); one copy of the 3-base unit GGA starting at c.2742; the reference has two copies in a row; one copy, 3 bases deleted.
Protein change: p.Glu916del; deletes glutamic acid 916.
Molecular consequence: inframe deletion. On other transcripts: intron variant (8).
Genome position (GRCh38, 1-based): chrX:38,286,252-38,286,254, TCC deleted on the plus strand (GGA on the coding strand, the reverse complement: RPGR is on the minus strand); deleting any 3 consecutive bases within chrX:38,286,252-38,286,259 gives the same sequence; the position shown is the placement nearest the transcript's 3' end. VCF-style (leftmost placement, unchanged base first): chrX-38286251-TTCC-T. GRCh37 (hg19) VCF-style: chrX-38145504-TTCC-T.
Other names: c.1569+4705_1569+4707del (NM_001367249.1, NM_001367250.1); c.1902+840_1902+842del (NM_001367245.1); c.1386+4705_1386+4707del (NM_001367251.1); c.1719+840_1719+842del (NM_001367246.1); c.1572+4705_1572+4707del (NM_001367247.1); c.1905+840_1905+842del (NM_000328.3); c.1602+4705_1602+4707del (NM_001367248.1); short protein forms E916del.
Identifiers: ClinVar variation 1502798 (VCV001502798.42), dbSNP rs751721873, ClinGen allele CA10385248.